The following is an entry in ClinVar:

ClinVar aggregate classification (germline): Likely benign. Review status: criteria provided, multiple submitters, no conflicts (2 of 4 stars). 4 submissions from 4 submitters: Likely benign (4). Last evaluated 2026-01-24.

Conditions:
IARS1-related disorder. Also called: IARS1-related condition.

Allele frequency attached by ClinVar (database versions not stated): ExAC 0.00018; gnomAD exomes 0.00020 and 0.00034; ESP Exome Variant Server 0.00023; 1000 Genomes Project 0.00040; 1000 Genomes Project 30x 0.00047; gnomAD 0.00048 and 0.00051; TOPMed 0.00067.
gnomAD v4.1: 577 of 1,613,894 alleles (0.036%); highest among the groups gnomAD compares: Non-Finnish European, 0.043%; no homozygotes.

Submissions (4):

PreventionGenetics, part of Exact Sciences
Classification: Likely benign for IARS1-related condition. Last evaluated: 2026-01-24. Review status: criteria provided, single submitter. Criteria: ACMG Guidelines, 2015. Collection method: clinical testing. Allele origin: germline.
Comment: This variant is classified as likely benign based on ACMG/AMP sequence variant interpretation guidelines (Richards et al. 2015 PMID: 25741868, with internal and published modifications).

Labcorp Genetics (formerly Invitae), Labcorp
Classification: Likely benign. Last evaluated: 2025-04-22. Review status: criteria provided, single submitter. Criteria: Invitae Variant Classification Sherloc (09022015). Collection method: clinical testing. Allele origin: germline.

Women's Health and Genetics/Laboratory Corporation of America, LabCorp
Classification: Likely benign. Last evaluated: 2023-10-16. Review status: criteria provided, single submitter. Criteria: LabCorp Variant Classification Summary - May 2015. Collection method: clinical testing. Allele origin: germline.

CeGaT Center for Human Genetics Tuebingen
Classification: Likely benign. Last evaluated: 2023-07-01. Review status: criteria provided, single submitter. Criteria: CeGaT Center For Human Genetics Tuebingen Variant Classification Criteria Version 2. Collection method: clinical testing. Allele origin: germline. Affected: yes. Observed: 2 variant alleles.
Comment: IARS1: BP4, BP7

NM_002161.6(IARS1):c.2175G>A (p.Lys725=)

Gene: IARS1 (isoleucyl-tRNA synthetase 1; minus strand). Cytogenetic location: 9q22.31.
Variant type: single nucleotide variant.
Coding change: c.2175G>A on transcript NM_002161.6 (MANE Select); coding-DNA position 2175, G replaced by A.
Protein change: p.Lys725=; no amino-acid change (lysine 725 retained).
Molecular consequence: synonymous variant. On other transcripts: non-coding transcript variant (1).
Genome position (GRCh38, 1-based): chr9:92,253,416, C>T on the plus strand (G>A on the coding strand, the complement: IARS1 is on the minus strand). VCF-style: chr9-92253416-C-T. GRCh37 (hg19) VCF-style: chr9-95015698-C-T.
Other names: c.2175G>A, p.Lys725= (NM_001374299.1, NM_001374300.1, NM_013417.4); c.2091G>A, p.Lys697= (NM_001374301.1).
Identifiers: ClinVar variation 781168 (VCV000781168.34), dbSNP rs145346984, ClinGen allele CA5122328.